The following is an entry in ClinVar:

NM_001379659.1(ZNF142):c.4191G>A (p.Val1397=)

Gene: ZNF142 (zinc finger protein 142; minus strand). Cytogenetic location: 2q35.
Variant type: single nucleotide variant.
Coding change: c.4191G>A on transcript NM_001379659.1 (MANE Select); coding-DNA position 4191, G replaced by A.
Protein change: p.Val1397=; no amino-acid change (valine 1397 retained).
Molecular consequence: synonymous variant.
Genome position (GRCh38, 1-based): chr2:218,642,925, C>T on the plus strand (G>A on the coding strand, the complement: ZNF142 is on the minus strand). VCF-style: chr2-218642925-C-T. GRCh37 (hg19) VCF-style: chr2-219507648-C-T.
Other names: c.3591G>A, p.Val1197= (NM_001105537.5, NM_001366291.3, NM_001379662.1); c.3102G>A, p.Val1034= (NM_001366287.3, NM_001366288.3, NM_001366289.3); c.4191G>A, p.Val1397= (NM_001366290.3, NM_001379660.1, NM_001379661.1).
Identifiers: ClinVar variation 3026620 (VCV003026620.22), dbSNP rs1170965803, ClinGen allele CA431410016.

ClinVar aggregate classification (germline): Likely benign (1 of 4 stars; one submission).

Allele frequency attached by ClinVar (database versions not stated): gnomAD exomes below 0.00001; TOPMed below 0.00001; gnomAD 0.00001.
gnomAD v4.1: 2 of 1,613,600 alleles (0.00012%); highest among the groups gnomAD compares: Non-Finnish European, 0.00017%; no homozygotes.

Submission:

CeGaT Center for Human Genetics Tuebingen
Classification: Likely benign. Last evaluated: 2023-12-01. Review status: criteria provided, single submitter. Criteria: CeGaT Center For Human Genetics Tuebingen Variant Classification Criteria Version 2. Collection method: clinical testing. Allele origin: germline. Affected: yes. Observed: 1 variant allele.
Comment: ZNF142: BP4, BP7